The following is an entry in ClinVar:

ClinVar aggregate classification (germline): Conflicting classifications of pathogenicity. Review status: criteria provided, conflicting classifications (1 of 4 stars). 4 submissions from 4 submitters: Uncertain significance (1); Likely benign (2). 1 of the submissions does not count toward it. Last evaluated 2024-12-07.

Conditions:
SCN8A-related disorder.
Early-infantile DEE. Also called: Ohtahara syndrome; Early infantile epileptic encephalopathy with suppression bursts; Early infantile epileptic encephalopathy. Identifiers: Orphanet 1934, MedGen C0393706, MONDO:0800491.

Allele frequency attached by ClinVar (database versions not stated): gnomAD 0.00001; ExAC 0.00002; gnomAD exomes 0.00002 and 0.00004; TOPMed 0.00002.
gnomAD v4.1: 64 of 1,611,852 alleles (0.004%); highest among the groups gnomAD compares: Non-Finnish European, 0.0053%; no homozygotes.

Submissions (4):

Labcorp Genetics (formerly Invitae), Labcorp
Classification: Likely benign for Early-infantile DEE. Last evaluated: 2024-12-07. Review status: criteria provided, single submitter. Criteria: Invitae Variant Classification Sherloc (09022015). Collection method: clinical testing. Allele origin: germline.

Blueprint Genetics
Classification: Likely benign. Last evaluated: 2022-07-01. Review status: criteria provided, single submitter. Criteria: ACMG Guidelines, 2015. Collection method: clinical testing. Allele origin: germline.

Eurofins Ntd Llc (ga)
Classification: Uncertain significance. Last evaluated: 2015-07-13. Review status: criteria provided, single submitter. Criteria: EGL Classification Definitions 2015. Collection method: clinical testing. Allele origin: germline. Observed: 1 variant allele, 1 heterozygote.

PreventionGenetics, part of Exact Sciences
Classification: Likely benign for SCN8A-related condition. Last evaluated: 2023-08-11. Review status: no assertion criteria provided. Collection method: clinical testing. Allele origin: germline. Not counted in ClinVar's aggregate classification.
Comment: This variant is classified as likely benign based on ACMG/AMP sequence variant interpretation guidelines (Richards et al. 2015 PMID: 25741868, with internal and published modifications).

NM_001330260.2(SCN8A):c.929-4C>G

Gene: SCN8A (sodium voltage-gated channel alpha subunit 8; plus strand). Cytogenetic location: 12q13.13.
Variant type: single nucleotide variant.
Coding change: c.929-4C>G on transcript NM_001330260.2 (MANE Select); 4 bases into the intron before coding-DNA position 929, C replaced by G.
Molecular consequence: intron variant.
Genome position (GRCh38, 1-based): chr12:51,701,140, C>G. VCF-style: chr12-51701140-C-G. GRCh37 (hg19) VCF-style: chr12-52094924-C-G.
Other names: c.929-4C>G (NM_014191.4, NM_001177984.3, NM_001369788.1 and 1 more transcripts).
Identifiers: ClinVar variation 281893 (VCV000281893.17), dbSNP rs771227940, ClinGen allele CA6571179.